The following is an entry in ClinVar:

NC_000006.12:g.165894333C>T

Genes: LINC00473 (long independently transcribed non-coding RNA 473; minus strand), PDE10A (phosphodiesterase 10A; minus strand), SDIM1 (stress responsive DNAJB4 interacting membrane protein 1). Cytogenetic location: 6q27.
Variant type: single nucleotide variant.
Genome position: GRCh38 VCF-style: chr6-165894333-C-T. GRCh37 (hg19) VCF-style: chr6-166307821-C-T.
Identifiers: ClinVar variation 4534020 (VCV004534020.6).

ClinVar aggregate classification (germline): Likely benign (1 of 4 stars; one submission).

gnomAD v4.1: 41 of 455,888 alleles (0.009%); highest among the groups gnomAD compares: Middle Eastern, 0.065%; no homozygotes.

Submission:

CeGaT Center for Human Genetics Tuebingen
Classification: Likely benign. Last evaluated: 2025-11-01. Review status: criteria provided, single submitter. Criteria: CeGaT Center For Human Genetics Tuebingen Variant Classification Criteria Version 2. Collection method: clinical testing. Allele origin: germline. Affected: yes. Observed: 1 variant allele.
Comment: SDIM1: BP4, BP7